The following is an entry in ClinVar:

NM_032737.4(LMNB2):c.517C>A (p.Leu173Met)

Gene: LMNB2 (lamin B2; minus strand). Cytogenetic location: 19p13.3.
Variant type: single nucleotide variant.
Coding change: c.517C>A on transcript NM_032737.4 (MANE Select); coding-DNA position 517, C replaced by A.
Protein change: p.Leu173Met; replaces leucine 173 with methionine.
Molecular consequence: missense variant.
Genome position (GRCh38, 1-based): chr19:2,438,416, G>T on the plus strand (C>A on the coding strand, the complement: LMNB2 is on the minus strand). VCF-style: chr19-2438416-G-T. GRCh37 (hg19) VCF-style: chr19-2438414-G-T.
Other names: short protein forms L173M.
Identifiers: ClinVar variation 1359933 (VCV001359933.8), dbSNP rs771818418, ClinGen allele CA9067866.

ClinVar aggregate classification (germline): Uncertain significance (1 of 4 stars; one submission).

Conditions:
Progressive myoclonic epilepsy type 9. Identifiers: Orphanet 457265, MedGen C4225289, MONDO:0014685, OMIM 616540.
Lipodystrophy, partial, acquired, susceptibility to (APLD). Also called: APLD, SUSCEPTIBILITY TO. Identifiers: MedGen C3887501, MONDO:0100476, OMIM 608709.

Allele frequency attached by ClinVar (database versions not stated): gnomAD exomes below 0.00001; ExAC 0.00001.

Submission:

Labcorp Genetics (formerly Invitae), Labcorp
Classification: Uncertain significance for Progressive myoclonic epilepsy type 9; Lipodystrophy, partial, acquired, susceptibility to. Last evaluated: 2021-04-27. Review status: criteria provided, single submitter. Criteria: Invitae Variant Classification Sherloc (09022015). Collection method: clinical testing. Allele origin: germline.
Comment: This sequence change replaces leucine with methionine at codon 173 of the LMNB2 protein (p.Leu173Met). The leucine residue is highly conserved and there is a small physicochemical difference between leucine and methionine. This variant is present in population databases (rs771818418, ExAC 0.01%). This variant has not been reported in the literature in individuals with LMNB2-related conditions. Algorithms developed to predict the effect of missense changes on protein structure and function are either unavailable or do not agree on the potential impact of this missense change (SIFT: "Deleterious"; PolyPhen-2: "Probably Damaging"; Align-GVGD: "Class C0"). In summary, the available evidence is currently insufficient to determine the role of this variant in disease. Therefore, it has been classified as a Variant of Uncertain Significance.